The following is an entry in ClinVar:

ClinVar aggregate classification (germline): Conflicting classifications of pathogenicity. Review status: criteria provided, conflicting classifications (1 of 4 stars). 7 submissions from 7 submitters: Uncertain significance (4); Likely benign (2). 1 of the submissions does not count toward it. Last evaluated 2025-12-29.

Conditions:
TINF2-related disorder. Also called: TINF2-related condition.
Dyskeratosis congenita. Identifiers: Orphanet 1775, MedGen C0265965, MONDO:0015780.

Allele frequency attached by ClinVar (database versions not stated): ESP Exome Variant Server 0.00024; gnomAD 0.00029 and 0.00030; TOPMed 0.00032; 1000 Genomes Project 0.00040; 1000 Genomes Project 30x 0.00047; gnomAD exomes 0.00013; ExAC 0.00017.
gnomAD v4.1: 122 of 1,613,968 alleles (0.0076%); highest among the groups gnomAD compares: African/African-American, 0.11%; no homozygotes.

Submissions (7):

Center for Genomic Medicine, Rigshospitalet, Copenhagen University Hospital
Classification: Uncertain significance. Last evaluated: 2025-12-29. Review status: criteria provided, single submitter. Criteria: ACMG Guidelines, 2015. Collection method: clinical testing. Allele origin: germline.

Labcorp Genetics (formerly Invitae), Labcorp
Classification: Likely benign for Dyskeratosis congenita. Last evaluated: 2025-12-15. Review status: criteria provided, single submitter. Criteria: Invitae Variant Classification Sherloc (09022015). Collection method: clinical testing. Allele origin: germline.

GeneDx
Classification: Uncertain significance. Last evaluated: 2025-03-26. Review status: criteria provided, single submitter. Criteria: GeneDx Variant Classification Process June 2021. Collection method: clinical testing. Allele origin: germline.
Comment: In silico analysis supports that this missense variant has a deleterious effect on protein structure/function; Identified in individual(s) with colorectal cancer and in healthy control(s) (PMID: 29891727, 29641532); This variant is associated with the following publications: (PMID: 29641532, 29891727)

Blueprint Genetics
Classification: Likely benign. Last evaluated: 2024-10-08. Review status: criteria provided, single submitter. Criteria: ACMG Guidelines, 2015. Collection method: clinical testing. Allele origin: germline.

Sema4
Classification: Uncertain significance for Dyskeratosis congenita. Last evaluated: 2021-12-24. Review status: criteria provided, single submitter. Criteria: Sema4 Curation Guidelines. Collection method: curation. Allele origin: germline.
Comment: To the best of our knowledge, the TINF2 c.1166T>C (p.I389T) variant has not been reported in individuals with TINF2-related disease. It was observed in 26/24194 chromosomes of the African/African American (AFR) subpopulation, with no homozygotes, in the large and broad cohorts of the Genome Aggregation Database (PMID: 32461654). This variant has been reported in ClinVar (Variation ID: 413987). Functional studies have not been performed, and in silico predictions of the variant's effect on protein function are inconclusive. The evidence is insufficient to meet ACMG/AMP criteria for classifying the variant as benign or pathogenic. Thus, the clinical significance of this variant is currently uncertain.

Genetic Services Laboratory, University of Chicago
Classification: Uncertain significance. Last evaluated: 2019-06-24. Review status: criteria provided, single submitter. Criteria: ACMG Guidelines, 2015. Collection method: clinical testing. Allele origin: germline. Affected: no.

PreventionGenetics, part of Exact Sciences
Classification: Likely benign for TINF2-related condition. Last evaluated: 2022-09-27. Review status: no assertion criteria provided. Collection method: clinical testing. Allele origin: germline. Not counted in ClinVar's aggregate classification.
Comment: This variant is classified as likely benign based on ACMG/AMP sequence variant interpretation guidelines (Richards et al. 2015 PMID: 25741868, with internal and published modifications).

NM_001099274.3(TINF2):c.1166T>C (p.Ile389Thr)

Gene: TINF2 (TERF1 interacting nuclear factor 2; minus strand). Cytogenetic location: 14q12.
Variant type: single nucleotide variant.
Coding change: c.1166T>C on transcript NM_001099274.3 (MANE Select); coding-DNA position 1166, T replaced by C.
Protein change: p.Ile389Thr; replaces isoleucine 389 with threonine.
Molecular consequence: missense variant. On other transcripts: 3 prime UTR variant (1).
Genome position (GRCh38, 1-based): chr14:24,240,119, A>G on the plus strand (T>C on the coding strand, the complement: TINF2 is on the minus strand). VCF-style: chr14-24240119-A-G. GRCh37 (hg19) VCF-style: chr14-24709325-A-G.
Other names: c.*296T>C (NM_012461.3); c.1061T>C, p.Ile354Thr (NM_001363668.2); short protein forms I389T, I354T.
Identifiers: ClinVar variation 413987 (VCV000413987.20), dbSNP rs192423622, ClinGen allele CA7130468.
Genomic context (GRCh38, chr14:24,240,119, plus strand): 5'-CTCACCTTTCCTTCCCCCTGGCCATTTTCTTCCTCATCAGAGTCTAAAACCAAGTCCCCT[A>G]TGGTAATGACGGAGCTGCACAGAGACGGAGGACACACTGTAGGAGGGAAACCAGAATCAA-3'
Protein context (NP_001092744.1, residues 379-399): PPSLCSSVIT[Ile389Thr]GDLVLDSDEE